The following is an entry in ClinVar:

NM_004360.5(CDH1):c.2002A>T (p.Lys668Ter)

Gene: CDH1 (cadherin 1; plus strand). Cytogenetic location: 16q22.1.
Variant type: single nucleotide variant.
Coding change: c.2002A>T on transcript NM_004360.5 (MANE Select); coding-DNA position 2002, A replaced by T.
Protein change: p.Lys668Ter; replaces lysine 668 with a stop codon.
Molecular consequence: nonsense.
Genome position (GRCh38, 1-based): chr16:68,823,464, A>T. VCF-style: chr16-68823464-A-T. GRCh37 (hg19) VCF-style: chr16-68857367-A-T.
Other names: c.1819A>T, p.Lys607Ter (NM_001317184.2); c.454A>T, p.Lys152Ter (NM_001317185.2); c.37A>T, p.Lys13Ter (NM_001317186.2); short protein forms K152*, K668*, K607*, K13*.
Identifiers: ClinVar variation 3729892 (VCV003729892.2).
Genomic context (GRCh38, chr16:68,823,464, plus strand): 5'-GAATCTATCATTTTGAAGCCAAAGATGGCCTTAGAGGTGGGTGACTACAAAATCAATCTC[A>T]AGCTCATGGATAACCAGAATAAAGACCAAGTGACCACCTTAGAGGTCAGCGTGTGTGACT-3'

ClinVar aggregate classification (germline): Pathogenic (1 of 4 stars; one submission).

Conditions:
Hereditary diffuse gastric adenocarcinoma (HDGC). Also called: DIFFUSE GASTRIC AND LOBULAR BREAST CANCER SYNDROME. Identifiers: Orphanet 26106, MedGen C1708349, MONDO:0007648, OMIM 137215.

Submission:

Labcorp Genetics (formerly Invitae), Labcorp
Classification: Pathogenic for Hereditary diffuse gastric adenocarcinoma. Last evaluated: 2025-02-02. Review status: criteria provided, single submitter. Criteria: Invitae Variant Classification Sherloc (09022015). Collection method: clinical testing. Allele origin: germline.
Comment: This sequence change creates a premature translational stop signal (p.Lys668*) in the CDH1 gene. It is expected to result in an absent or disrupted protein product. Loss-of-function variants in CDH1 are known to be pathogenic (PMID: 15235021, 20373070). This variant is not present in population databases (gnomAD no frequency). This variant has not been reported in the literature in individuals affected with CDH1-related conditions. Algorithms developed to predict the effect of sequence changes on RNA splicing suggest that this variant may disrupt the consensus splice site. For these reasons, this variant has been classified as Pathogenic.

Literature cited by the submitters: PubMed 15235021; PubMed 20373070.